The following is an entry in ClinVar:

NM_001130144.3(LTBP3):c.3524G>T (p.Arg1175Leu)

Gene: LTBP3 (latent transforming growth factor beta binding protein 3; minus strand). Cytogenetic location: 11q13.1.
Variant type: single nucleotide variant.
Coding change: c.3524G>T on transcript NM_001130144.3 (MANE Select); coding-DNA position 3524, G replaced by T.
Protein change: p.Arg1175Leu; replaces arginine 1175 with leucine.
Molecular consequence: missense variant.
Genome position (GRCh38, 1-based): chr11:65,539,743, C>A on the plus strand (G>T on the coding strand, the complement: LTBP3 is on the minus strand). VCF-style: chr11-65539743-C-A. GRCh37 (hg19) VCF-style: chr11-65307214-C-A.
Other names: c.3032G>T, p.Arg1011Leu (NM_001164266.1); c.3383G>T, p.Arg1128Leu (NM_021070.4); short protein forms R1011L, R1128L, R1175L.
Identifiers: ClinVar variation 1732295 (VCV001732295.2), dbSNP rs2496116175, ClinGen allele CA381266694.

ClinVar aggregate classification (germline): Uncertain significance (1 of 4 stars; one submission).

Conditions:
Inborn genetic diseases. Identifiers: MedGen C0950123, MeSH D030342.

Submission:

Ambry Genetics
Classification: Uncertain significance for Inborn genetic diseases. Last evaluated: 2021-10-21. Review status: criteria provided, single submitter. Criteria: Ambry Variant Classification Scheme 2023. Collection method: clinical testing. Allele origin: germline.
Comment: The p.R1175L variant (also known as c.3524G>T), located in coding exon 25 of the LTBP3 gene, results from a G to T substitution at nucleotide position 3524. The arginine at codon 1175 is replaced by leucine, an amino acid with dissimilar properties. This amino acid position is conserved. In addition, the in silico prediction for this alteration is inconclusive. Since supporting evidence is limited at this time, the clinical significance of this alteration remains unclear.